The following is an entry in ClinVar:

ClinVar aggregate classification (germline): Benign. Review status: criteria provided, multiple submitters, no conflicts (2 of 4 stars). 2 submissions from 2 submitters: Benign (2). Last evaluated 2026-01-28.

Conditions:
Tuberous sclerosis syndrome (TSC). Also called: Tuberous sclerosis; Tuberous Sclerosis Complex. Identifiers: Orphanet 805, MedGen C0041341, MONDO:0001734.
Tuberous sclerosis 1 (TSC1). Identifiers: Orphanet 805, MedGen C1854465, MONDO:0008612, OMIM 191100.

Allele frequency attached by ClinVar (database versions not stated): TOPMed below 0.00001; gnomAD 0.00001; gnomAD exomes 0.05551.
gnomAD v4.1: 4 of 1,046,388 alleles (0.00038%); highest among the groups gnomAD compares: African/African-American, 0.0019%; no homozygotes.

Submissions (2):

Labcorp Genetics (formerly Invitae), Labcorp
Classification: Benign for Tuberous sclerosis 1. Last evaluated: 2026-01-28. Review status: criteria provided, single submitter. Criteria: Invitae Variant Classification Sherloc (09022015). Collection method: clinical testing. Allele origin: germline.

All of Us Research Program, National Institutes of Health
Classification: Benign for Tuberous sclerosis syndrome. Last evaluated: 2023-09-17. Review status: criteria provided, single submitter. Criteria: ACMG Guidelines, 2015. Collection method: clinical testing. Allele origin: germline. Inheritance: Autosomal dominant inheritance. Observed: 1 variant allele, 1 heterozygote.
Comment: This study involves interpretation of variants in research participants for the purpose of population health screening. Participant phenotype was not available at the time of variant classification. Additional details can be found in publication PMID: 35346344, PMCID: PMC8962531

NM_000368.5(TSC1):c.2626-5T>C

Gene: TSC1 (TSC complex subunit 1; minus strand). Cytogenetic location: 9q34.13.
Variant type: single nucleotide variant.
Coding change: c.2626-5T>C on transcript NM_000368.5 (MANE Select); 5 bases into the intron before coding-DNA position 2626, T replaced by C.
Molecular consequence: intron variant.
Genome position (GRCh38, 1-based): chr9:132,897,615, A>G on the plus strand (T>C on the coding strand, the complement: TSC1 is on the minus strand). VCF-style: chr9-132897615-A-G. GRCh37 (hg19) VCF-style: chr9-135773002-A-G.
Other names: c.2263-5T>C (NM_001362177.2); c.2473-5T>C (NM_001162427.2); c.2623-5T>C (NM_001162426.2).
Identifiers: ClinVar variation 750068 (VCV000750068.10), dbSNP rs1444272064, ClinGen allele CA591361237.